The following is an entry in ClinVar:

NM_000094.4(COL7A1):c.4089del (p.Pro1364fs)

Gene: COL7A1 (collagen type VII alpha 1 chain; minus strand). Cytogenetic location: 3p21.31.
Variant type: Deletion.
Coding change: c.4089del on transcript NM_000094.4 (MANE Select); coding-DNA position 4089, one base deleted (T; older notation c.4089delT).
Protein change: p.Pro1364fs; shifts the reading frame from proline 1364.
Molecular consequence: frameshift variant.
Genome position (GRCh38, 1-based): chr3:48,584,515, A deleted on the plus strand (T on the coding strand, the reverse complement: COL7A1 is on the minus strand); the first of 2 consecutive A bases (chr3:48,584,515-48,584,516); deleting either gives the same sequence. VCF-style (leftmost placement, unchanged base first): chr3-48584514-GA-G. GRCh37 (hg19) VCF-style: chr3-48621947-GA-G.
Other names: c.4088delT, p.Pro1364Leufs (NM_000094.3); short protein forms P1364fs.
Identifiers: ClinVar variation 4817374 (VCV004817374.1).
Genomic context (GRCh38, chr3:48,584,514, plus strand): 5'-CATCACTTGCCTCCACATACCCTGCACTTACCGATGGTCCAGGGTCCCCTTTCCGCCCAG[GA>G]AGCCCAGGTCCTTCACCTCCGATGACTTGTCCGGGAGCCCCCTGTAAGGACAGAGAGCAG-3'

ClinVar aggregate classification (germline): Pathogenic (1 of 4 stars; one submission).

Conditions:
Epidermolysis bullosa dystrophica. Also called: Dystrophic epidermolysis bullosa, Hallopeau-Siemens type (formerly); Dystrophic epidermolysis bullosa. Identifiers: Orphanet 303, MedGen C0079294, MONDO:0006543.

Submission:

Natera, Inc.
Classification: Pathogenic for Dystrophic epidermolysis bullosa. Last evaluated: 2024-07-22. Review status: criteria provided, single submitter. Criteria: Natera Variant Classification Schema (03/2026). Collection method: clinical testing. Allele origin: germline.
Comment: The c.4089del variant in COL7A1 is a frameshift variant predicted to shift the reading frame beginning at codon 1364 and leads to a stop codon 35 codons downstream. This variant is expected to result in nonsense mediated decay, truncation, or a dysfunctional protein product. This variant is rare in the general population with a frequency below the threshold expected for the associated phenotype(s). This variant has been observed in one or more individuals affected with the associated recessive disease, as either homozygous or compound heterozygous with a second variant (PMID: 36287101). Given the available evidence, this variant is classified as Pathogenic.

Literature cited by the submitters: PubMed 36287101.